The following is an entry in ClinVar:

ClinVar aggregate classification (germline): Conflicting classifications of pathogenicity. Review status: criteria provided, conflicting classifications (1 of 4 stars). 2 submissions from 2 submitters: Likely pathogenic (1); Uncertain significance (1). Last evaluated 2026-02-01.

Submissions (2):

CeGaT Center for Human Genetics Tuebingen
Classification: Uncertain significance. Last evaluated: 2026-02-01. Review status: criteria provided, single submitter. Criteria: CeGaT Center For Human Genetics Tuebingen Variant Classification Criteria Version 2. Collection method: clinical testing. Allele origin: germline. Affected: yes. Observed: 1 variant allele.
Comment: NYX: PM2, PS4:Moderate, PP3

Labcorp Genetics (formerly Invitae), Labcorp
Classification: Likely pathogenic. Last evaluated: 2024-02-18. Review status: criteria provided, single submitter. Criteria: Invitae Variant Classification Sherloc (09022015). Collection method: clinical testing. Allele origin: germline.
Comment: This sequence change replaces leucine, which is neutral and non-polar, with phenylalanine, which is neutral and non-polar, at codon 280 of the NYX protein (p.Leu280Phe). This variant is not present in population databases (gnomAD no frequency). This missense change has been observed in individuals with congenital stationary night blindness (PMID: 23714322). Advanced modeling of protein sequence and biophysical properties (such as structural, functional, and spatial information, amino acid conservation, physicochemical variation, residue mobility, and thermodynamic stability) performed at Invitae indicates that this missense variant is expected to disrupt NYX protein function with a positive predictive value of 80%. In summary, the currently available evidence indicates that the variant is pathogenic, but additional data are needed to prove that conclusively. Therefore, this variant has been classified as Likely Pathogenic.

Literature cited by the submitters: PubMed 23714322 (cited by Labcorp Genetics (formerly Invitae), Labcorp).

NM_001378477.3(NYX):c.823C>T (p.Leu275Phe)

Gene: NYX (nyctalopin; plus strand). Cytogenetic location: Xp11.4.
Variant type: single nucleotide variant.
Coding change: c.823C>T on transcript NM_001378477.3 (MANE Select); coding-DNA position 823, C replaced by T.
Protein change: p.Leu275Phe; replaces leucine 275 with phenylalanine.
Molecular consequence: missense variant.
Genome position (GRCh38, 1-based): chrX:41,474,291, C>T. VCF-style: chrX-41474291-C-T. GRCh37 (hg19) VCF-style: chrX-41333544-C-T.
Other names: c.823C>T, p.Leu275Phe (NM_022567.3); short protein forms L275F.
Identifiers: ClinVar variation 3724224 (VCV003724224.6).